The following is an entry in ClinVar:

NM_139027.6(ADAMTS13):c.3851A>C (p.His1284Pro)

Gene: ADAMTS13 (ADAM metallopeptidase with thrombospondin type 1 motif 13; plus strand). Cytogenetic location: 9q34.2.
Variant type: single nucleotide variant.
Coding change: c.3851A>C on transcript NM_139027.6 (MANE Select); coding-DNA position 3851, A replaced by C.
Protein change: p.His1284Pro; replaces histidine 1284 with proline.
Molecular consequence: missense variant.
Genome position (GRCh38, 1-based): chr9:133,458,036, A>C. VCF-style: chr9-133458036-A-C. GRCh37 (hg19) VCF-style: chr9-136323158-A-C.
Other names: c.3758A>C, p.His1253Pro (NM_139026.6); c.4019A>C, p.His1340Pro (NM_139025.5); short protein forms H1253P, H1284P, H1340P.
Identifiers: ClinVar variation 3649790 (VCV003649790.2).
Genomic context (GRCh38, chr9:133,458,036, plus strand): 5'-GTAATGCAGGGGGCTGCCGGCTCTTCATTAATGTGGCTCCGCACGCACGGATTGCCATCC[A>C]TGCCCTGGCCACCAACATGGGCGCTGGGACCGAGGGAGCCAATGCCAGCTACATCTTGGT-3'
Protein context (NP_620596.2, residues 1274-1294): NVAPHARIAI[His1284Pro]ALATNMGAGT

ClinVar aggregate classification (germline): Uncertain significance (1 of 4 stars; one submission).

Submission:

Labcorp Genetics (formerly Invitae), Labcorp
Classification: Uncertain significance. Last evaluated: 2024-04-13. Review status: criteria provided, single submitter. Criteria: Invitae Variant Classification Sherloc (09022015). Collection method: clinical testing. Allele origin: germline.
Comment: This sequence change replaces histidine, which is basic and polar, with proline, which is neutral and non-polar, at codon 1340 of the ADAMTS13 protein (p.His1340Pro). This variant is present in population databases (no rsID available, gnomAD 0.006%). This variant has not been reported in the literature in individuals affected with ADAMTS13-related conditions. An algorithm developed to predict the effect of missense changes on protein structure and function (PolyPhen-2) suggests that this variant is likely to be disruptive. In summary, the available evidence is currently insufficient to determine the role of this variant in disease. Therefore, it has been classified as a Variant of Uncertain Significance.